The following is an entry in ClinVar:

NM_000052.7(ATP7A):c.153T>G (p.Ile51Met)

Gene: ATP7A (ATPase copper transporting alpha; plus strand). Cytogenetic location: Xq21.1.
Variant type: single nucleotide variant.
Coding change: c.153T>G on transcript NM_000052.7 (MANE Select); coding-DNA position 153, T replaced by G.
Protein change: p.Ile51Met; replaces isoleucine 51 with methionine.
Molecular consequence: missense variant.
Genome position (GRCh38, 1-based): chrX:77,988,274, T>G. VCF-style: chrX-77988274-T-G. GRCh37 (hg19) VCF-style: chrX-77243770-T-G.
Other names: c.153T>G, p.Ile51Met (NM_001282224.2); short protein forms I51M.
Identifiers: ClinVar variation 3360505 (VCV003360505.1).

ClinVar aggregate classification (germline): Uncertain significance (1 of 4 stars; one submission).

Submission:

GeneDx
Classification: Uncertain significance. Last evaluated: 2023-06-29. Review status: criteria provided, single submitter. Criteria: GeneDx Variant Classification Process June 2021. Collection method: clinical testing. Allele origin: germline. Affected: yes.
Comment: Has not been previously published as pathogenic or benign to our knowledge; Not observed at significant frequency in large population cohorts (gnomAD); In silico analysis supports that this missense variant does not alter protein structure/function